The following is an entry in ClinVar:

ClinVar aggregate classification (germline): Benign (1 of 4 stars; one submission).

Conditions:
Tuberous sclerosis 2 (TSC2). Identifiers: Orphanet 805, MedGen C1860707, MONDO:0013199, OMIM 613254.

Submission:

Myriad Genetics, Inc.
Classification: Benign for Tuberous sclerosis 2. Last evaluated: 2025-05-08. Review status: criteria provided, single submitter. Criteria: Myriad Autosomal Dominant, Autosomal Recessive and X-Linked Classification Criteria (2023). Collection method: clinical testing. Allele origin: unknown.
Comment: This variant is considered benign. This variant is a silent/synonymous amino acid change and it is not expected to impact splicing.

NM_000548.5(TSC2):c.591G>A (p.Arg197=)

Gene: TSC2 (TSC complex subunit 2; plus strand). Cytogenetic location: 16p13.3.
Variant type: single nucleotide variant.
Coding change: c.591G>A on transcript NM_000548.5 (MANE Select); coding-DNA position 591, G replaced by A.
Protein change: p.Arg197=; no amino-acid change (arginine 197 retained).
Molecular consequence: synonymous variant. On other transcripts: 5 prime UTR variant (13), non-coding transcript variant (5), intron variant (6).
Genome position (GRCh38, 1-based): chr16:2,055,511, G>A. VCF-style: chr16-2055511-G-A. GRCh37 (hg19) VCF-style: chr16-2105512-G-A.
Other names: c.591G>A, p.Arg197= (NM_001077183.3, NM_001114382.3, NM_001363528.2 and 8 more transcripts); c.480G>A, p.Arg160= (NM_001318827.2, NM_001406670.1, NM_001406678.1); c.444G>A, p.Arg148= (NM_001318829.2, NM_001406675.1, NM_001406676.1 and 1 more transcripts); c.624G>A, p.Arg208= (NM_001318832.2); c.681G>A, p.Arg227= (NM_001406667.1, NM_001406668.1); c.534G>A, p.Arg178= (NM_001406677.1); c.-226G>A (NM_001406680.1, NM_001406683.1, NM_001406687.1); c.129G>A, p.Arg43= (NM_001406681.1); and 6 more.
Identifiers: ClinVar variation 4071327 (VCV004071327.1).